The following is an entry in ClinVar:

NM_016562.4(TLR7):c.800C>A (p.Pro267Gln)

Gene: TLR7 (toll like receptor 7; plus strand). Cytogenetic location: Xp22.2.
Variant type: single nucleotide variant.
Coding change: c.800C>A on transcript NM_016562.4 (MANE Select); coding-DNA position 800, C replaced by A.
Protein change: p.Pro267Gln; replaces proline 267 with glutamine.
Molecular consequence: missense variant.
Genome position (GRCh38, 1-based): chrX:12,886,308, C>A. VCF-style: chrX-12886308-C-A. GRCh37 (hg19) VCF-style: chrX-12904427-C-A.
Other names: short protein forms P267Q.
Identifiers: ClinVar variation 2822595 (VCV002822595.3), dbSNP rs2518437706, ClinGen allele CA412405650.

ClinVar aggregate classification (germline): Uncertain significance (1 of 4 stars; one submission).

Submission:

Labcorp Genetics (formerly Invitae), Labcorp
Classification: Uncertain significance. Last evaluated: 2022-12-20. Review status: criteria provided, single submitter. Criteria: Invitae Variant Classification Sherloc (09022015). Collection method: clinical testing. Allele origin: germline.
Comment: This sequence change replaces proline, which is neutral and non-polar, with glutamine, which is neutral and polar, at codon 267 of the TLR7 protein (p.Pro267Gln). This variant is not present in population databases (gnomAD no frequency). This variant has not been reported in the literature in individuals affected with TLR7-related conditions. Algorithms developed to predict the effect of missense changes on protein structure and function (SIFT, PolyPhen-2, Align-GVGD) all suggest that this variant is likely to be disruptive. In summary, the available evidence is currently insufficient to determine the role of this variant in disease. Therefore, it has been classified as a Variant of Uncertain Significance.